The following is an entry in ClinVar:

ClinVar aggregate classification (germline): Likely pathogenic (1 of 4 stars; one submission).

Conditions:
Intellectual disability-microcephaly-strabismus-behavioral abnormalities syndrome. Also called: White-Sutton Syndrome. Identifiers: Orphanet 468678, MedGen C4225351, MONDO:0014606, OMIM 616364.

Submission:

Institute of Human Genetics, University of Goettingen
Classification: Likely pathogenic for Intellectual disability-microcephaly-strabismus-behavioral abnormalities syndrome. Last evaluated: 2022-05-05. Review status: criteria provided, single submitter. Criteria: ACMG Guidelines, 2015. Collection method: clinical testing. Allele origin: unknown. Inheritance: Sporadic. Affected: yes. Observed: 1 heterozygote.
Comment: The variant c.2545+2del (p.?) is located in the donor splice site of intron 17 of the POGZ-gene, it affects a canonical splice site and it is not found in the gnomAD database. In silico programs predict a significant impact on POGZ-RNA splicing (varSEAK SSP). ACMG criteria used for classification: PVS1, PM2.

NM_015100.4(POGZ):c.2545+2del

Gene: POGZ (pogo transposable element derived with ZNF domain; minus strand). Cytogenetic location: 1q21.3.
Variant type: Deletion.
Coding change: c.2545+2del on transcript NM_015100.4 (MANE Select); the canonical splice donor site of the intron after coding-DNA position 2545, one base deleted (T; older notation c.2545+2delT).
Molecular consequence: splice donor variant.
Genome position (GRCh38, 1-based): chr1:151,406,909, A deleted on the plus strand (T on the coding strand, the reverse complement: POGZ is on the minus strand). VCF-style (leftmost placement, unchanged base first): chr1-151406908-TA-T. GRCh37 (hg19) VCF-style: chr1-151379384-TA-T.
Other names: c.2359+2del (NM_001194938.2); c.2260+2del (NM_145796.4); c.2518+2del (NM_001194937.2); c.2566+2del (NM_001410860.1); c.2386+2del (NM_207171.2).
Identifiers: ClinVar variation 1679519 (VCV001679519.1), dbSNP rs2102155019, ClinGen allele CA2573131065.